The following is an entry in ClinVar:

ClinVar aggregate classification (germline): Likely benign (1 of 4 stars; one submission).

Allele frequency attached by ClinVar (database versions not stated): ExAC 0.00093; 1000 Genomes Project 30x 0.00219; gnomAD 0.00232; 1000 Genomes Project 0.00240; TOPMed 0.00267; ESP Exome Variant Server 0.00315.
gnomAD v4.1: 681 of 1,611,984 alleles (0.042%); highest among the groups gnomAD compares: African/African-American, 0.78%; 6 homozygotes.

Submission:

CeGaT Center for Human Genetics Tuebingen
Classification: Likely benign. Last evaluated: 2023-02-01. Review status: criteria provided, single submitter. Criteria: CeGaT Center For Human Genetics Tuebingen Variant Classification Criteria Version 2. Collection method: clinical testing. Allele origin: germline. Affected: yes. Observed: 1 variant allele.
Comment: MED15: BP4, BP7, BS2

NM_001003891.3(MED15):c.387G>A (p.Pro129=)

Gene: MED15 (mediator complex subunit 15; plus strand). Cytogenetic location: 22q11.21.
Variant type: single nucleotide variant.
Coding change: c.387G>A on transcript NM_001003891.3 (MANE Select); coding-DNA position 387, G replaced by A.
Protein change: p.Pro129=; no amino-acid change (proline 129 retained).
Molecular consequence: synonymous variant. On other transcripts: intron variant (1).
Genome position (GRCh38, 1-based): chr22:20,555,084, G>A. VCF-style: chr22-20555084-G-A. GRCh37 (hg19) VCF-style: chr22-20909371-G-A.
Other names: c.387G>A, p.Pro129= (NM_001293234.2, NM_015889.5); c.309G>A, p.Pro103= (NM_001293235.2, NM_001293237.2); c.238+1910G>A (NM_001293236.2).
Identifiers: ClinVar variation 2652900 (VCV002652900.24), dbSNP rs141019125, ClinGen allele CA10113432.